The following is an entry in ClinVar:

NM_000053.4(ATP7B):c.4022G>A (p.Gly1341Asp)

Gene: ATP7B (ATPase copper transporting beta; minus strand). Cytogenetic location: 13q14.3.
Variant type: single nucleotide variant.
Coding change: c.4022G>A on transcript NM_000053.4 (MANE Select); coding-DNA position 4022, G replaced by A.
Protein change: p.Gly1341Asp; replaces glycine 1341 with aspartic acid.
Molecular consequence: missense variant.
Genome position (GRCh38, 1-based): chr13:51,935,695, C>T on the plus strand (G>A on the coding strand, the complement: ATP7B is on the minus strand). VCF-style: chr13-51935695-C-T. GRCh37 (hg19) VCF-style: chr13-52509831-C-T.
Other names: p.Gly1341Asp; c.3401G>A, p.Gly1134Asp (NM_001005918.3); c.3689G>A, p.Gly1230Asp (NM_001243182.2); c.3788G>A, p.Gly1263Asp (NM_001330578.2); c.3770G>A, p.Gly1257Asp (NM_001330579.2); short protein forms G1230D, G1257D, G1134D, G1263D, G1341D.
Identifiers: ClinVar variation 665925 (VCV000665925.20), dbSNP rs779494870, ClinGen allele CA6988504.

ClinVar aggregate classification (germline): Pathogenic/Likely pathogenic. Review status: criteria provided, multiple submitters, no conflicts (2 of 4 stars). 10 submissions from 10 submitters: Pathogenic (8); Likely pathogenic (2). Last evaluated 2026-04-22.

Conditions:
ATP7B-related disorder. Also called: ATP7B-related condition.
Wilson disease (WND). Also called: Wilson's disease. Identifiers: Orphanet 905, MedGen C0019202, MONDO:0010200, OMIM 277900. Disease mechanism: loss of function.

Allele frequency attached by ClinVar (database versions not stated): gnomAD 0.00001; gnomAD exomes 0.00001; TOPMed 0.00001; ExAC 0.00002.
gnomAD v4.1: 10 of 1,611,176 alleles (0.00062%); highest among the groups gnomAD compares: Non-Finnish European, 0.00085%; no homozygotes.

Submissions (10):

GeneDx
Classification: Pathogenic. Last evaluated: 2026-04-22. Review status: criteria provided, single submitter. Criteria: GeneDx Variant Classification Process June 2021. Collection method: clinical testing. Allele origin: germline.
Comment: Not observed at significant frequency in large population cohorts (gnomAD); In silico analysis supports that this missense variant has a deleterious effect on protein structure/function; In silico analysis suggests this variant may impact gene splicing. In the absence of RNA/functional studies, the actual effect of this sequence change is unknown.; This variant is associated with the following publications: (PMID: 39933775, 22692182, 14639035, 18371106, 21682854, 22484412, 25014046, 17264425, 16088907, 16283883, 21610751, 23518715, Scvortova2014[article], 19937698, Cumpata2022[Case Report], 19381668, 25327413, 30230192, 30232804, 16207219, 41152442, 36096368, 33640437, 34786177, 31708252, 9671269, 15967699)

Labcorp Genetics (formerly Invitae), Labcorp
Classification: Pathogenic for Wilson disease. Last evaluated: 2026-01-13. Review status: criteria provided, single submitter. Criteria: Invitae Variant Classification Sherloc (09022015). Collection method: clinical testing. Allele origin: germline.
Comment: This sequence change replaces glycine, which is neutral and non-polar, with aspartic acid, which is acidic and polar, at codon 1341 of the ATP7B protein (p.Gly1341Asp). This variant is present in population databases (rs779494870, gnomAD 0.003%). This missense change has been observed in individuals with Wilson disease (PMID: 16283883, 21610751, 21682854, 22484412). ClinVar contains an entry for this variant (Variation ID: 665925). An algorithm developed to predict the effect of missense changes on protein structure and function (PolyPhen-2) suggests that this variant is likely to be disruptive. This variant disrupts the p.Gly1341 amino acid residue in ATP7B. Other variant(s) that disrupt this residue have been observed in individuals with ATP7B-related conditions (PMID: 14639035, 16088907, 17264425, 19937698, 21682854), which suggests that this may be a clinically significant amino acid residue. For these reasons, this variant has been classified as Pathogenic.

Color Diagnostics, LLC DBA Color Health
Classification: Pathogenic for Wilson disease. Last evaluated: 2025-08-18. Review status: criteria provided, single submitter. Criteria: ACMG Guidelines, 2015. Collection method: clinical testing. Allele origin: germline.
Comment: This missense variant replaces glycine with aspartic acid at codon 1341 of the ATP7B protein. Computational prediction suggests that this variant may have deleterious impact on protein structure and function. Functional studies in CHO-K1 cells showed this variant inhibited copper transport, reduced cell viability, and disrupted protein folding (Scvortova et al, 2013). This variant has been reported in the compound heterozygous state and in the homozygous state in over ten individuals affected with Wilson disease (PMID: 15967699, 16207219, 16283883, 18371106, 21610751, 21682854, 22484412, 24517292, 33640437DOI: 10.1038/s41431-019-0406-5Scvortova et al, 2013). This variant has been identified in 3/238636 chromosomes in the general population by the Genome Aggregation Database (gnomAD). Based on the available evidence, this variant is classified as Pathogenic.

All of Us Research Program, National Institutes of Health
Classification: Pathogenic for Wilson disease. Last evaluated: 2024-09-27. Review status: criteria provided, single submitter. Criteria: ACMG Guidelines, 2015. Collection method: clinical testing. Allele origin: germline. Inheritance: Autosomal recessive inheritance. Observed: 2 variant alleles, 2 heterozygotes.
Comment: This missense variant replaces glycine with aspartic acid at codon 1341 of the ATP7B protein. Computational prediction suggests that this variant may have deleterious impact on protein structure and function (internally defined REVEL score threshold >= 0.7, PMID: 27666373). Functional studies in CHO-K1 cells showed this variant inhibited copper transport, reduced cell viability, and disrupted protein folding (Scvortova et al, 2013). This variant has been reported in the compound heterozygous state and in the homozygous state in individuals affected with Wilson disease (PMID: 15967699, 16207219, 16283883, 18371106, 21610751, 21682854, 22484412, 24517292, 33640437; DOI: 10.1038/s41431-019-0406-5; Scvortova et al, 2013). This variant has been identified in 3/238636 chromosomes in the general population by the Genome Aggregation Database (gnomAD). Based on the available evidence, this variant is classified as Pathogenic.

This study involves interpretation of variants in research participants for the purpose of population health screening. Participant phenotype was not available at the time of variant classification. Additional details can be found in publication PMID: 35346344, PMCID: PMC8962531

Blueprint Genetics
Classification: Pathogenic for ATP7B-related disorders. Last evaluated: 2024-09-15. Review status: criteria provided, single submitter. Criteria: ACMG Guidelines, 2015. Collection method: clinical testing. Allele origin: germline. Affected: yes. Observed: 5 variant alleles.

Natera, Inc.
Classification: Pathogenic for Wilson disease. Last evaluated: 2024-03-28. Review status: criteria provided, single submitter. Criteria: Natera Variant Classification Schema (03/2026). Collection method: clinical testing. Allele origin: germline.
Comment: The c.4022G>A variant in ATP7B is a missense variant predicted to cause substitution of glycine to aspartic acid at amino acid 1341. This variant is rare in the general population with a frequency below the threshold expected for the associated phenotype(s). This variant has been observed in one or more individuals affected with the associated recessive disease, as either homozygous or compound heterozygous with a second variant (PMID: 21682854, 36096368, 24517292, 23518715, 21610751). A different variant at the same position has been determined to be Pathogenic or Likely Pathogenic. Computational prediction algorithms indicate this variant is likely to affect gene or protein function. Given the available evidence, this variant is classified as Pathogenic.

Baylor Genetics
Classification: Pathogenic for Wilson disease. Last evaluated: 2024-03-19. Review status: criteria provided, single submitter. Criteria: ACMG Guidelines, 2015. Collection method: clinical testing. Allele origin: unknown.

Fulgent Genetics
Classification: Likely pathogenic for Wilson disease. Last evaluated: 2024-03-11. Review status: criteria provided, single submitter. Criteria: ACMG Guidelines, 2015. Collection method: clinical testing. Allele origin: germline.

Mayo Clinic Laboratories, Mayo Clinic
Classification: Pathogenic. Last evaluated: 2023-03-07. Review status: criteria provided, single submitter. Criteria: ACMG Guidelines, 2015. Collection method: clinical testing. Allele origin: germline. Observed: 1 variant allele.
Comment: PP3, PP4, PM2, PM3_strong, PM5, PS4_moderate

Genome-Nilou Lab
Classification: Likely pathogenic for Wilson disease. Last evaluated: 2021-08-10. Review status: criteria provided, single submitter. Criteria: ACMG Guidelines, 2015. Collection method: clinical testing. Allele origin: germline. Affected: no.

Literature cited by the submitters: PubMed 16283883 (cited by 4 submitters); PubMed 21610751 (cited by 5 submitters); PubMed 21682854 (cited by 5 submitters); PubMed 22484412 (cited by 4 submitters); PubMed 14639035 (cited by Labcorp Genetics (formerly Invitae), Labcorp); PubMed 16088907 (cited by Labcorp Genetics (formerly Invitae), Labcorp and Mayo Clinic Laboratories, Mayo Clinic); PubMed 17264425 (cited by Labcorp Genetics (formerly Invitae), Labcorp); PubMed 19937698 (cited by Labcorp Genetics (formerly Invitae), Labcorp and Mayo Clinic Laboratories, Mayo Clinic); PubMed 15967699 (cited by Color Diagnostics, LLC DBA Color Health and All of Us Research Program, National Institutes of Health); PubMed 16207219 (cited by 3 submitters); PubMed 18371106 (cited by Color Diagnostics, LLC DBA Color Health and All of Us Research Program, National Institutes of Health); PubMed 24517292 (cited by 3 submitters); PubMed 33640437 (cited by 3 submitters); PubMed 36096368 (cited by Natera, Inc. and Mayo Clinic Laboratories, Mayo Clinic); PubMed 23518715 (cited by Natera, Inc.); PubMed 22692182 (cited by Mayo Clinic Laboratories, Mayo Clinic); PubMed 30230192 (cited by Mayo Clinic Laboratories, Mayo Clinic); PubMed 31708252 (cited by Mayo Clinic Laboratories, Mayo Clinic); PubMed 9671269 (cited by Mayo Clinic Laboratories, Mayo Clinic).